The following is an entry in ClinVar:

ClinVar aggregate classification (germline): Pathogenic (0 of 4 stars; one submission).

Conditions:
Agenesis of the corpus callosum with peripheral neuropathy (ACCPN). Also called: Hereditary Motor and Sensory Neuropathy with Agenesis of the Corpus Callosum; POLYNEUROPATHY, SENSORIMOTOR, WITH OR WITHOUT AGENESIS OF THE CORPUS CALLOSUM; HMSN/ACC; CHARLEVOIX DISEASE. Identifiers: Orphanet 1496, MedGen C0795950, MONDO:0000902, OMIM 218000. Disease mechanism: loss of function.

Submission:

Baylor Genetics
Classification: Pathogenic for Agenesis of the corpus callosum with peripheral neuropathy. Last evaluated: 2014-10-21. Review status: no assertion criteria provided. Collection method: clinical testing. Allele origin: germline. Inheritance: Autosomal recessive inheritance. Affected: yes. Observed: 1 variant allele, 1 homozygote.

NM_001365088.1(SLC12A6):c.250dup (p.His84fs)

Gene: SLC12A6 (solute carrier family 12 member 6; minus strand). Cytogenetic location: 15q14.
Variant type: Duplication.
Coding change: c.250dup on transcript NM_001365088.1 (MANE Select); coding-DNA position 250, one base duplicated (C; older notation c.250dupC).
Protein change: p.His84fs; shifts the reading frame from histidine 84.
Molecular consequence: frameshift variant.
Genome position (GRCh38, 1-based): chr15:34,336,431, G duplicated on the plus strand (C on the coding strand, the reverse complement: SLC12A6 is on the minus strand). VCF-style (leftmost placement, unchanged base first): chr15-34336430-T-TG. GRCh37 (hg19) VCF-style: chr15-34628631-T-TG.
Other names: c.73dup, p.His25fs (NM_001042494.2, NM_001042495.2); c.223dup, p.His75fs (NM_001042496.2); c.250dup, p.His84fs (NM_001042497.2, NM_133647.2); short protein forms H84fs, H25fs, H75fs.
Identifiers: ClinVar variation 374347 (VCV000374347.2), dbSNP rs1057518713, ClinGen allele CA16043686.